The following is an entry in ClinVar:

NM_001378454.1(ALMS1):c.10972C>T (p.Arg3658Ter)

Gene: ALMS1 (ALMS1 centrosome and basal body associated protein; plus strand). Cytogenetic location: 2p13.1.
Variant type: single nucleotide variant.
Coding change: c.10972C>T on transcript NM_001378454.1 (MANE Select); coding-DNA position 10972, C replaced by T.
Protein change: p.Arg3658Ter; replaces arginine 3658 with a stop codon.
Molecular consequence: nonsense.
Genome position (GRCh38, 1-based): chr2:73,572,849, C>T. VCF-style: chr2-73572849-C-T. GRCh37 (hg19) VCF-style: chr2-73799976-C-T.
Other names: c.10975C>T, p.Arg3659Ter (NM_015120.4); short protein forms R3658*, R3659*.
Identifiers: ClinVar variation 977960 (VCV000977960.10), dbSNP rs780438592, ClinGen allele CA50386559.

ClinVar aggregate classification (germline): Pathogenic. Review status: criteria provided, multiple submitters, no conflicts (2 of 4 stars). 4 submissions from 4 submitters: Pathogenic (3). 1 of the submissions does not count toward it. Last evaluated 2025-07-27.

Conditions:
ALMS1-related disorder. Also called: ALMS1-related condition.
Alstrom syndrome (ALMS). Identifiers: Orphanet 64, MedGen C0268425, MONDO:0008763, OMIM 203800.

Allele frequency attached by ClinVar (database versions not stated): TOPMed 0.00001.
gnomAD v4.1: 26 of 1,613,746 alleles (0.0016%); highest among the groups gnomAD compares: Non-Finnish European, 0.002%; no homozygotes.

Submissions (4):

Labcorp Genetics (formerly Invitae), Labcorp
Classification: Pathogenic for Alstrom syndrome. Last evaluated: 2025-07-27. Review status: criteria provided, single submitter. Criteria: Invitae Variant Classification Sherloc (09022015). Collection method: clinical testing. Allele origin: germline.
Comment: This sequence change creates a premature translational stop signal (p.Arg3659*) in the ALMS1 gene. It is expected to result in an absent or disrupted protein product. Loss-of-function variants in ALMS1 are known to be pathogenic (PMID: 17594715). This variant is not present in population databases (gnomAD no frequency). This premature translational stop signal has been observed in individual(s) with Alstrom syndrome (PMID: 16720663). ClinVar contains an entry for this variant (Variation ID: 977960). For these reasons, this variant has been classified as Pathogenic.

Blueprint Genetics
Classification: Pathogenic for ALMS1-related disorders. Last evaluated: 2024-02-26. Review status: criteria provided, single submitter. Criteria: ACMG Guidelines, 2015. Collection method: clinical testing. Allele origin: germline. Affected: yes. Observed: 5 variant alleles.

Fulgent Genetics
Classification: Pathogenic for Alstrom syndrome. Last evaluated: 2021-09-13. Review status: criteria provided, single submitter. Criteria: ACMG Guidelines, 2015. Collection method: clinical testing. Allele origin: unknown.

Laboratory of Genetics in Ophthalmology, Institut Imagine
Classification: Pathogenic for Alstrom syndrome. Review status: no assertion criteria provided. Collection method: research. Allele origin: inherited. Affected: yes. Observed: 1 variant allele. Not counted in ClinVar's aggregate classification.

Literature cited by the submitters: PubMed 17594715 (cited by Labcorp Genetics (formerly Invitae), Labcorp); PubMed 16720663 (cited by Labcorp Genetics (formerly Invitae), Labcorp).